The following is an entry in ClinVar:

ClinVar aggregate classification (germline): Likely pathogenic (1 of 4 stars; one submission).

Conditions:
Lissencephaly due to TUBA1A mutation (CDCBM16). Also called: Lissencephaly 3; CORTICAL DYSPLASIA, COMPLEX, WITH OTHER BRAIN MALFORMATIONS 16. Identifiers: Orphanet 171680, MedGen C4305153, MONDO:0012703, OMIM 611603.

Submission:

Johns Hopkins Genomics, Johns Hopkins University
Classification: Likely pathogenic for Lissencephaly due to TUBA1A mutation. Last evaluated: 2019-06-18. Review status: criteria provided, single submitter. Criteria: ACMG Guidelines, 2015. Collection method: clinical testing. Allele origin: germline.
Comment: This TUBA1A variant is absent from large population datasets and TUBA1A missense variation appears to be extremely uncommon in these populations (gnomAD expected number of missense variants: 260.7, observed number of missense variants: 7, Z=5.58). This variant has not been reported in the literature, to our knowledge. Of two bioinformatics tools queried, one predicts that the substitution would be damaging, while the second predicts that it would be tolerated. The threonine residue at this position is evolutionarily conserved across all higher order mammals and nearly all other species assessed. Due to the apparently de novo state of this variant, the absence of this missense change from healthy population sets, and correlation with the patients clinical presentation, c.217A>G is likely pathogenic in this patient.

NM_006009.4(TUBA1A):c.217A>G (p.Thr73Ala)

Gene: TUBA1A (tubulin alpha 1a; minus strand). Cytogenetic location: 12q13.12.
Variant type: single nucleotide variant.
Coding change: c.217A>G on transcript NM_006009.4 (MANE Select); coding-DNA position 217, A replaced by G.
Protein change: p.Thr73Ala; replaces threonine 73 with alanine.
Molecular consequence: missense variant.
Genome position (GRCh38, 1-based): chr12:49,186,620, T>C on the plus strand (A>G on the coding strand, the complement: TUBA1A is on the minus strand). VCF-style: chr12-49186620-T-C. GRCh37 (hg19) VCF-style: chr12-49580403-T-C.
Other names: c.217A>G, p.Thr73Ala (NM_001270399.2); c.112A>G, p.Thr38Ala (NM_001270400.2); short protein forms T73A, T38A.
Identifiers: ClinVar variation 689469 (VCV000689469.1), dbSNP rs1592260393, ClinGen allele CA384644674.
Genomic context (GRCh38, chr12:49,186,620, plus strand): 5'-CTCCTGTCCCAGCACCCTGGGATCTCACTTGGGTTACTGAGGTCAACTCACCAATGACTG[T>C]GGGTTCCAAGTCTACAAACACTGCCCGGGGCACATGCTTGCCAGCCCCCGTCTCACTGAA-3'
Protein context (NP_006000.2, residues 63-83): PRAVFVDLEP[Thr73Ala]VIDEVRTGTY